The following is an entry in ClinVar:

NM_000384.3(APOB):c.5168G>T (p.Ser1723Ile)

Gene: APOB (apolipoprotein B; minus strand). Cytogenetic location: 2p24.1.
Variant type: single nucleotide variant.
Coding change: c.5168G>T on transcript NM_000384.3 (MANE Select); coding-DNA position 5168, G replaced by T.
Protein change: p.Ser1723Ile; replaces serine 1723 with isoleucine.
Molecular consequence: missense variant.
Genome position (GRCh38, 1-based): chr2:21,011,700, C>A on the plus strand (G>T on the coding strand, the complement: APOB is on the minus strand). VCF-style: chr2-21011700-C-A. GRCh37 (hg19) VCF-style: chr2-21234572-C-A.
Other names: short protein forms S1723I.
Identifiers: ClinVar variation 630297 (VCV000630297.5), dbSNP rs570383610, ClinGen allele CA061779.

ClinVar aggregate classification (germline): Uncertain significance. Review status: criteria provided, multiple submitters, no conflicts (2 of 4 stars). 2 submissions from 2 submitters: Uncertain significance (2). Last evaluated 2026-03-02.

Conditions:
Cardiovascular phenotype. Identifiers: MedGen CN230736.

Allele frequency attached by ClinVar (database versions not stated): gnomAD exomes below 0.00001; ExAC 0.00001; gnomAD 0.00001; 1000 Genomes Project 30x 0.00016; 1000 Genomes Project 0.00020.
gnomAD v4.1: 4 of 1,614,150 alleles (0.00025%); highest among the groups gnomAD compares: South Asian, 0.0044%; no homozygotes.

Submissions (2):

GeneDx
Classification: Uncertain significance. Last evaluated: 2026-03-02. Review status: criteria provided, single submitter. Criteria: GeneDx Variant Classification Process June 2021. Collection method: clinical testing. Allele origin: germline.
Comment: Not observed at significant frequency in large population cohorts (gnomAD); In silico analysis supports that this missense variant has a deleterious effect on protein structure/function; Has not been previously published as pathogenic or benign to our knowledge

Ambry Genetics
Classification: Uncertain significance for Cardiovascular phenotype. Last evaluated: 2021-07-08. Review status: criteria provided, single submitter. Criteria: Ambry Variant Classification Scheme 2023. Collection method: clinical testing. Allele origin: germline.
Comment: The p.S1723I variant (also known as c.5168G>T), located in coding exon 26 of the APOB gene, results from a G to T substitution at nucleotide position 5168. The serine at codon 1723 is replaced by isoleucine, an amino acid with dissimilar properties. This amino acid position is conserved. In addition, this alteration is predicted to be tolerated by in silico analysis. Since supporting evidence is limited at this time, the clinical significance of this alteration remains unclear.